The following is an entry in ClinVar:

ClinVar aggregate classification (germline): Uncertain significance. Review status: criteria provided, multiple submitters, no conflicts (2 of 4 stars). 2 submissions from 2 submitters: Uncertain significance (2). Last evaluated 2024-06-13.

Conditions:
SHORT syndrome. Also called: LIPODYSTROPHY, PARTIAL, WITH RIEGER ANOMALY AND SHORT STATURE; PIK3R1-Related SHORT Syndrome; SHORT STATURE, HYPEREXTENSIBILITY, HERNIA, OCULAR DEPRESSION, RIEGER ANOMALY, AND TEETHING DELAY. Identifiers: Orphanet 3163, MedGen C0878684, MONDO:0010026, OMIM 269880.
Agammaglobulinemia 7, autosomal recessive (AGM7). Also called: AGAMMAGLOBULINEMIA, AUTOSOMAL RECESSIVE, DUE TO PIK3R1 DEFECT. Identifiers: MedGen C3554689, MONDO:0014083, OMIM 615214.
Immunodeficiency 36 with lymphoproliferation. Also called: Immunodeficiency 36; ACTIVATED PI3K-DELTA SYNDROME 2; Activated PI3K Delta Syndrome Type 2 (APDS2). Identifiers: Orphanet 397596, Orphanet 693681, MedGen C4014934, MONDO:0014453, OMIM 616005.

Allele frequency attached by ClinVar (database versions not stated): gnomAD exomes below 0.00001.
gnomAD v4.1: 2 of 1,611,862 alleles (0.00012%); highest among the groups gnomAD compares: Admixed American, 0.0017%; no homozygotes.

Submissions (2):

Clinical Genomics Laboratory, Washington University in St. Louis
Classification: Uncertain significance for SHORT syndrome. Last evaluated: 2024-06-13. Review status: criteria provided, single submitter. Criteria: ACMG Guidelines, 2015. Collection method: clinical testing. Allele origin: germline.
Comment: A PIK3R1 c.319G>C (p.Asp107His) variant was identified at a heterozygous allelic fraction of 49.4%, a frequency which may be consistent with germline origin. This variant, to our knowledge, has not been reported in the medical literature and is only observed on 2/1,611,862 alleles in the general population (gnomAD v.4.1.0), indicating it is not a common variant. Computational predictors suggest that this variant does not impact PIK3R1 function. This variant has been reported in the ClinVar database as a germline variant of uncertain significance by one submitter (ClinVar ID: 2934825). Due to limited information, and based on ACMG/AMP guidelines for variant interpretation (Richards S et al., PMID: 25741868), the clinical significance of this variant is uncertain at this time.

Labcorp Genetics (formerly Invitae), Labcorp
Classification: Uncertain significance for SHORT syndrome; Immunodeficiency 36 with lymphoproliferation; Agammaglobulinemia 7, autosomal recessive. Last evaluated: 2023-05-22. Review status: criteria provided, single submitter. Criteria: Invitae Variant Classification Sherloc (09022015). Collection method: clinical testing. Allele origin: germline.
Comment: In summary, the available evidence is currently insufficient to determine the role of this variant in disease. Therefore, it has been classified as a Variant of Uncertain Significance. An algorithm developed to predict the effect of missense changes on protein structure and function (PolyPhen-2) suggests that this variant is likely to be disruptive. This variant has not been reported in the literature in individuals affected with PIK3R1-related conditions. This variant is present in population databases (no rsID available, gnomAD 0.003%). This sequence change replaces aspartic acid, which is acidic and polar, with histidine, which is basic and polar, at codon 107 of the PIK3R1 protein (p.Asp107His).

NM_181523.3(PIK3R1):c.319G>C (p.Asp107His)

Gene: PIK3R1 (phosphoinositide-3-kinase regulatory subunit 1; plus strand). Cytogenetic location: 5q13.1.
Variant type: single nucleotide variant.
Coding change: c.319G>C on transcript NM_181523.3 (MANE Select); coding-DNA position 319, G replaced by C.
Protein change: p.Asp107His; replaces aspartic acid 107 with histidine.
Molecular consequence: missense variant.
Genome position (GRCh38, 1-based): chr5:68,226,994, G>C. VCF-style: chr5-68226994-G-C. GRCh37 (hg19) VCF-style: chr5-67522822-G-C.
Other names: short protein forms D107H.
Identifiers: ClinVar variation 2934825 (VCV002934825.4), dbSNP rs1324419023, ClinGen allele CA359980033.
Genomic context (GRCh38, chr5:68,226,994, plus strand): 5'-CCAAAGCCCCGGCCACCTCGGCCTCTTCCTGTTGCACCAGGTTCTTCGAAAACTGAAGCA[G>C]ATGTTGAACAACAAGGTCAGTATTGATAAGTGGTTGCTTAATGACTCCCTTTCTTTTTCT-3'
Protein context (NP_852664.1, residues 97-117): VAPGSSKTEA[Asp107His]VEQQALTLPD